The following is an entry in ClinVar:

NM_001023.4(RPS20):c.21A>C (p.Gly7=)

Gene: RPS20 (ribosomal protein S20; minus strand). Cytogenetic location: 8q12.1.
Variant type: single nucleotide variant.
Coding change: c.21A>C on transcript NM_001023.4 (MANE Select); coding-DNA position 21, A replaced by C.
Protein change: p.Gly7=; no amino-acid change (glycine 7 retained).
Molecular consequence: synonymous variant.
Genome position (GRCh38, 1-based): chr8:56,074,142, T>G on the plus strand (A>C on the coding strand, the complement: RPS20 is on the minus strand). VCF-style: chr8-56074142-T-G. GRCh37 (hg19) VCF-style: chr8-56986701-T-G.
Other names: c.21A>C, p.Gly7= (NM_001146227.3).
Identifiers: ClinVar variation 1593644 (VCV001593644.11), dbSNP rs774426726, ClinGen allele CA461101681.

ClinVar aggregate classification (germline): Benign/Likely benign. Review status: criteria provided, multiple submitters, no conflicts (2 of 4 stars). 3 submissions from 3 submitters: Benign (1); Likely benign (2). Last evaluated 2026-08-03.

Conditions:
Familial colorectal cancer type X. Identifiers: Orphanet 440437, MedGen C3896578, MONDO:0018604.

Submissions (3):

Myriad Genetics, Inc.
Classification: Benign for Familial colorectal cancer type X. Last evaluated: 2026-08-03. Review status: criteria provided, single submitter. Criteria: Myriad Autosomal Dominant, Autosomal Recessive and X-Linked Classification Criteria (2023). Collection method: clinical testing. Allele origin: unknown.
Comment: This variant is considered benign. This variant is a silent/synonymous amino acid change and it is not expected to impact splicing.

Labcorp Genetics (formerly Invitae), Labcorp
Classification: Likely benign. Last evaluated: 2024-04-15. Review status: criteria provided, single submitter. Criteria: Invitae Variant Classification Sherloc (09022015). Collection method: clinical testing. Allele origin: germline.

Ambry Genetics
Classification: Likely benign. Last evaluated: 2022-06-28. Review status: criteria provided, single submitter. Criteria: Ambry Variant Classification Scheme 2023. Collection method: clinical testing. Allele origin: germline.